The following is an entry in ClinVar:

ClinVar aggregate classification (germline): Uncertain significance (1 of 4 stars; one submission).

Conditions:
Hereditary nonpolyposis colorectal neoplasms. Identifiers: MedGen C0009405, MeSH D003123.

Submission:

Labcorp Genetics (formerly Invitae), Labcorp
Classification: Uncertain significance for Hereditary nonpolyposis colorectal neoplasms. Last evaluated: 2025-12-03. Review status: criteria provided, single submitter. Criteria: Invitae Variant Classification Sherloc (09022015). Collection method: clinical testing. Allele origin: germline.
Comment: This sequence change replaces isoleucine, which is neutral and non-polar, with leucine, which is neutral and non-polar, at codon 831 of the PMS2 protein (p.Ile831Leu). The frequency data for this variant in the population databases (gnomAD) is considered unreliable due to the presence of homologous sequence, such as pseudogenes or paralogs, in the genome. This variant has not been reported in the literature in individuals affected with PMS2-related conditions. Invitae Evidence Modeling incorporating data from in vitro experimental studies (internal data) indicates that this missense variant is not expected to disrupt PMS2 function with a negative predictive value of 95%. In summary, the available evidence is currently insufficient to determine the role of this variant in disease. Therefore, it has been classified as a Variant of Uncertain Significance.

NM_000535.7(PMS2):c.2491A>C (p.Ile831Leu)

Gene: PMS2 (PMS1 homolog 2, mismatch repair system component; minus strand). Cytogenetic location: 7p22.1.
Variant type: single nucleotide variant.
Coding change: c.2491A>C on transcript NM_000535.7 (MANE Select); coding-DNA position 2491, A replaced by C.
Protein change: p.Ile831Leu; replaces isoleucine 831 with leucine.
Molecular consequence: missense variant. On other transcripts: non-coding transcript variant (1).
Genome position (GRCh38, 1-based): chr7:5,973,497, T>G on the plus strand (A>C on the coding strand, the complement: PMS2 is on the minus strand). VCF-style: chr7-5973497-T-G. GRCh37 (hg19) VCF-style: chr7-6013128-T-G.
Other names: c.2086A>C, p.Ile696Leu (NM_001322003.2, NM_001322004.2, NM_001322005.2 and 11 more transcripts); c.2335A>C, p.Ile779Leu (NM_001322006.2); c.2173A>C, p.Ile725Leu (NM_001322007.2, NM_001322008.2, NM_001406883.1); c.2119A>C, p.Ile707Leu (NM_001322009.2, NM_001406887.1, NM_001406888.1); c.1930A>C, p.Ile644Leu (NM_001322010.2, NM_001406906.1, NM_001406907.1); c.1558A>C, p.Ile520Leu (NM_001322011.2, NM_001322012.2); c.1918A>C, p.Ile640Leu (NM_001322013.2, NM_001406908.1, NM_001406909.1); c.2524A>C, p.Ile842Leu (NM_001322014.2); and 20 more; short protein forms I430L, I592L, I640L, I669L, I676L, I765L, I783L, I790L.
Identifiers: ClinVar variation 4710960 (VCV004710960.1).